The following is an entry in ClinVar:

ClinVar aggregate classification (germline): Uncertain significance (1 of 4 stars; one submission).

gnomAD v4.1: 4 of 1,614,178 alleles (0.00025%); highest among the groups gnomAD compares: Non-Finnish European, 0.00034%; no homozygotes.

Submission:

GeneDx
Classification: Uncertain significance. Last evaluated: 2024-04-01. Review status: criteria provided, single submitter. Criteria: GeneDx Variant Classification Process June 2021. Collection method: clinical testing. Allele origin: germline. Affected: yes.
Comment: Not observed at significant frequency in large population cohorts (gnomAD); In silico analysis supports that this variant does not alter splicing; Has not been previously published as pathogenic or benign to our knowledge

NM_002700.3(POU4F3):c.123G>T (p.Leu41=)

Genes: POU4F3 (POU class 4 homeobox 3; plus strand), LOC127814297 (RBM27-POU4F3; plus strand). Cytogenetic location: 5q32.
Variant type: single nucleotide variant.
Coding change: c.123G>T on transcript NM_002700.3 (MANE Select); coding-DNA position 123, G replaced by T.
Protein change: p.Leu41=; no amino-acid change (leucine 41 retained).
Molecular consequence: synonymous variant. On other transcripts: missense variant (1).
Genome position (GRCh38, 1-based): chr5:146,339,550, G>T. VCF-style: chr5-146339550-G-T. GRCh37 (hg19) VCF-style: chr5-145719113-G-T.
Other names: c.2956G>T, p.Ala986Ser (NM_001414499.1); short protein forms A986S.
Identifiers: ClinVar variation 3371167 (VCV003371167.1).
Genomic context (GRCh38, chr5:146,339,550, plus strand): 5'-TTAATCCTGTGTTGACAGTATTCCCTACTGACCGTGCTGTGCGCCTTCTCGCTTGCAGCT[G>T]CAGGGTAATATATTTGGAAGCTTTGATGAGAGCCTGCTGGCACGCGCCGAAGCTCTGGCG-3'
Protein context (NP_002691.1, residues 31-51): MRRVCLPAPQ[Leu41=]QGNIFGSFDE